The following is an entry in ClinVar:

NM_024496.4(IRF2BPL):c.244G>A (p.Ala82Thr)

Genes: IRF2BPL (interferon regulatory factor 2 binding protein like; minus strand), LOC107984638 (uncharacterized LOC107984638; plus strand). Cytogenetic location: 14q24.3.
Variant type: single nucleotide variant.
Coding change: c.244G>A on transcript NM_024496.4 (MANE Select); coding-DNA position 244, G replaced by A.
Protein change: p.Ala82Thr; replaces alanine 82 with threonine.
Molecular consequence: missense variant.
Genome position (GRCh38, 1-based): chr14:77,027,549, C>T on the plus strand (G>A on the coding strand, the complement: IRF2BPL is on the minus strand). VCF-style: chr14-77027549-C-T. GRCh37 (hg19) VCF-style: chr14-77493892-C-T.
Other names: short protein forms A82T.
Identifiers: ClinVar variation 2574994 (VCV002574994.1), dbSNP rs1412881227, ClinGen allele CA390500712.

ClinVar aggregate classification (germline): Uncertain significance (1 of 4 stars; one submission).

Allele frequency attached by ClinVar (database versions not stated): TOPMed below 0.00001; gnomAD 0.00001.

Submission:

GeneDx
Classification: Uncertain significance. Last evaluated: 2023-02-07. Review status: criteria provided, single submitter. Criteria: GeneDx Variant Classification Process June 2021. Collection method: clinical testing. Allele origin: germline. Affected: yes.
Comment: Not observed at significant frequency in large population cohorts (gnomAD); In silico analysis supports that this missense variant does not alter protein structure/function; Has not been previously published as pathogenic or benign to our knowledge